The following is an entry in ClinVar:

NM_019066.5(MAGEL2):c.579C>T (p.Pro193=)

Gene: MAGEL2 (MAGE family member L2; minus strand). Cytogenetic location: 15q11.2.
Variant type: single nucleotide variant.
Coding change: c.579C>T on transcript NM_019066.5 (MANE Select); coding-DNA position 579, C replaced by T.
Protein change: p.Pro193=; no amino-acid change (proline 193 retained).
Molecular consequence: synonymous variant.
Genome position (GRCh38, 1-based): chr15:23,647,164, G>A on the plus strand (C>T on the coding strand, the complement: MAGEL2 is on the minus strand). VCF-style: chr15-23647164-G-A. GRCh37 (hg19) VCF-style: chr15-23892311-G-A.
Identifiers: ClinVar variation 2178349 (VCV002178349.29), dbSNP rs113984257, ClinGen allele CA7430102.

ClinVar aggregate classification (germline): Benign/Likely benign. Review status: criteria provided, multiple submitters, no conflicts (2 of 4 stars). 3 submissions from 3 submitters: Benign (1); Likely benign (2). Last evaluated 2026-01-19.

Allele frequency attached by ClinVar (database versions not stated): ExAC 0.00010; 1000 Genomes Project 30x 0.00047; gnomAD 0.00059.
gnomAD v4.1: 190 of 1,521,624 alleles (0.012%); highest among the groups gnomAD compares: African/African-American, 0.22%; no homozygotes.

Submissions (3):

Labcorp Genetics (formerly Invitae), Labcorp
Classification: Benign. Last evaluated: 2026-01-19. Review status: criteria provided, single submitter. Criteria: Invitae Variant Classification Sherloc (09022015). Collection method: clinical testing. Allele origin: germline.

CeGaT Center for Human Genetics Tuebingen
Classification: Likely benign. Last evaluated: 2025-07-01. Review status: criteria provided, single submitter. Criteria: CeGaT Center For Human Genetics Tuebingen Variant Classification Criteria Version 2. Collection method: clinical testing. Allele origin: germline. Affected: yes. Observed: 2 variant alleles.
Comment: MAGEL2: BP4, BP7

Blueprint Genetics
Classification: Likely benign. Last evaluated: 2024-06-27. Review status: criteria provided, single submitter. Criteria: ACMG Guidelines, 2015. Collection method: clinical testing. Allele origin: germline.